The following is an entry in ClinVar:

ClinVar aggregate classification (germline): Uncertain significance (0 of 4 stars; one submission).

Conditions:
NCKAP1-related disorder. Also called: NCKAP1-related condition.

Submission:

PreventionGenetics, part of Exact Sciences
Classification: Uncertain significance for NCKAP1-related condition. Last evaluated: 2024-09-06. Review status: no assertion criteria provided. Collection method: clinical testing. Allele origin: germline.
Comment: The NCKAP1 c.1332T>A variant is predicted to result in the amino acid substitution p.Asp444Glu. To our knowledge, this variant has not been reported in the literature or in a large population database, indicating this variant is rare. At this time, the clinical significance of this variant is uncertain due to the absence of conclusive functional and genetic evidence.

NM_013436.5(NCKAP1):c.1314T>A (p.Asp438Glu)

Gene: NCKAP1 (NCK associated protein 1; minus strand). Cytogenetic location: 2q32.1.
Variant type: single nucleotide variant.
Coding change: c.1314T>A on transcript NM_013436.5 (MANE Select); coding-DNA position 1314, T replaced by A.
Protein change: p.Asp438Glu; replaces aspartic acid 438 with glutamic acid.
Molecular consequence: missense variant.
Genome position (GRCh38, 1-based): chr2:182,981,271, A>T on the plus strand (T>A on the coding strand, the complement: NCKAP1 is on the minus strand). VCF-style: chr2-182981271-A-T. GRCh37 (hg19) VCF-style: chr2-183845999-A-T.
Other names: c.1332T>A, p.Asp444Glu (NM_205842.3); short protein forms D438E, D444E.
Identifiers: ClinVar variation 3347882 (VCV003347882.1).
Genomic context (GRCh38, chr2:182,981,271, plus strand): 5'-AACAAAAGGGAAATAGTATGAGATAGTTTTTACCTGCACGAGTTCATTGAGGACAACAGC[A>T]TCAAAGCCAGAAAGGTACTGCACGTAATACCTCTGCATTACAGGTCCGTATTTCCTCACA-3'
Protein context (NP_038464.1, residues 428-448): RYYVQYLSGF[Asp438Glu]AVVLNELVQN